The following is an entry in ClinVar:

NM_018671.5(UNC45A):c.641C>T (p.Ala214Val)

Gene: UNC45A (unc-45 myosin chaperone A; plus strand). Cytogenetic location: 15q26.1.
Variant type: single nucleotide variant.
Coding change: c.641C>T on transcript NM_018671.5 (MANE Select); coding-DNA position 641, C replaced by T.
Protein change: p.Ala214Val; replaces alanine 214 with valine.
Molecular consequence: missense variant.
Genome position (GRCh38, 1-based): chr15:90,940,427, C>T. VCF-style: chr15-90940427-C-T. GRCh37 (hg19) VCF-style: chr15-91483657-C-T.
Other names: c.641C>T (NM_018671.3); c.596C>T, p.Ala199Val (NM_001039675.2, NM_001323621.2); c.641C>T, p.Ala214Val (NM_001323619.1); c.206C>T, p.Ala69Val (NM_001323620.2); short protein forms A69V, A199V, A214V.
Identifiers: ClinVar variation 1405192 (VCV001405192.7), dbSNP rs199984374, ClinGen allele CA7742608.
Genomic context (GRCh38, chr15:90,940,427, plus strand): 5'-GTAATGGGGTTCAGCTCTTGCAACGTTTACTGGACATGGGAGAGACTGACCTCATGCTGG[C>T]GGCTCTGCGTACGCTGGTTGGCATTTGCTCTGAGCATCAGTCACGGGTAGGTGGAGTGGA-3'
Protein context (NP_061141.2, residues 204-224): LDMGETDLML[Ala214Val]ALRTLVGICS

ClinVar aggregate classification (germline): Conflicting classifications of pathogenicity. Review status: criteria provided, conflicting classifications (1 of 4 stars). 3 submissions from 3 submitters: Uncertain significance (2); Likely benign (1). Last evaluated 2025-12-05.

Conditions:
UNC45A-related disorder. Also called: UNC45A-related condition.
Inborn genetic diseases. Identifiers: MedGen C0950123, MeSH D030342.

Allele frequency attached by ClinVar (database versions not stated): gnomAD 0.00009 and 0.00011; ExAC 0.00010; 1000 Genomes Project 0.00060; 1000 Genomes Project 30x 0.00062.

Submissions (3):

PreventionGenetics, part of Exact Sciences
Classification: Likely benign for UNC45A-related condition. Last evaluated: 2025-12-05. Review status: criteria provided, single submitter. Criteria: ACMG Guidelines, 2015. Collection method: clinical testing. Allele origin: germline.
Comment: This variant is classified as likely benign based on ACMG/AMP sequence variant interpretation guidelines (Richards et al. 2015 PMID: 25741868, with internal and published modifications).

Ambry Genetics
Classification: Uncertain significance for Inborn genetic diseases. Last evaluated: 2023-02-07. Review status: criteria provided, single submitter. Criteria: Ambry Variant Classification Scheme 2023. Collection method: clinical testing. Allele origin: germline.

Labcorp Genetics (formerly Invitae), Labcorp
Classification: Uncertain significance. Last evaluated: 2022-06-18. Review status: criteria provided, single submitter. Criteria: Invitae Variant Classification Sherloc (09022015). Collection method: clinical testing. Allele origin: germline.
Comment: This sequence change replaces alanine, which is neutral and non-polar, with valine, which is neutral and non-polar, at codon 214 of the UNC45A protein (p.Ala214Val). This variant is present in population databases (rs199984374, gnomAD 0.2%). This variant has not been reported in the literature in individuals affected with UNC45A-related conditions. Experimental studies and prediction algorithms are not available or were not evaluated, and the functional significance of this variant is currently unknown. In summary, the available evidence is currently insufficient to determine the role of this variant in disease. Therefore, it has been classified as a Variant of Uncertain Significance.